The following is an entry in ClinVar:

NM_004698.4(PRPF3):c.1094A>G (p.His365Arg)

Gene: PRPF3 (pre-mRNA processing factor 3; plus strand). Cytogenetic location: 1q21.2.
Variant type: single nucleotide variant.
Coding change: c.1094A>G on transcript NM_004698.4 (MANE Select); coding-DNA position 1094, A replaced by G.
Protein change: p.His365Arg; replaces histidine 365 with arginine.
Molecular consequence: missense variant. On other transcripts: non-coding transcript variant (4).
Genome position (GRCh38, 1-based): chr1:150,338,218, A>G. VCF-style: chr1-150338218-A-G. GRCh37 (hg19) VCF-style: chr1-150310694-A-G.
Other names: c.689A>G, p.His230Arg (NM_001350529.1); short protein forms H230R, H365R.
Identifiers: ClinVar variation 1415513 (VCV001415513.8), dbSNP rs782314899, ClinGen allele CA1075535.

ClinVar aggregate classification (germline): Uncertain significance (1 of 4 stars; one submission).

Allele frequency attached by ClinVar (database versions not stated): ExAC 0.00001; gnomAD exomes 0.00001 and 0.00002; TOPMed 0.00002; gnomAD 0.00004.
gnomAD v4.1: 11 of 1,614,066 alleles (0.00068%); highest among the groups gnomAD compares: Admixed American, 0.017%; no homozygotes.

Submission:

Labcorp Genetics (formerly Invitae), Labcorp
Classification: Uncertain significance. Last evaluated: 2021-02-25. Review status: criteria provided, single submitter. Criteria: Invitae Variant Classification Sherloc (09022015). Collection method: clinical testing. Allele origin: germline.
Comment: This variant is present in population databases (rs782314899, ExAC 0.006%). This sequence change replaces histidine with arginine at codon 365 of the PRPF3 protein (p.His365Arg). The histidine residue is moderately conserved and there is a small physicochemical difference between histidine and arginine. Algorithms developed to predict the effect of missense changes on protein structure and function (SIFT, PolyPhen-2, Align-GVGD) all suggest that this variant is likely to be tolerated, but these predictions have not been confirmed by published functional studies and their clinical significance is uncertain. This variant has not been reported in the literature in individuals with PRPF3-related conditions. In summary, the available evidence is currently insufficient to determine the role of this variant in disease. Therefore, it has been classified as a Variant of Uncertain Significance.